The following is an entry in ClinVar:

ClinVar aggregate classification (germline): Conflicting classifications of pathogenicity. Review status: criteria provided, conflicting classifications (1 of 4 stars). 2 submissions from 2 submitters: Uncertain significance (1); Likely benign (1). Last evaluated 2025-11-01.

Conditions:
Inborn genetic diseases. Identifiers: MedGen C0950123, MeSH D030342.

Allele frequency attached by ClinVar (database versions not stated): TOPMed below 0.00001; gnomAD 0.00001; ExAC 0.00002.
gnomAD v4.1: 26 of 1,612,560 alleles (0.0016%); highest among the groups gnomAD compares: Non-Finnish European, 0.0022%; no homozygotes.

Submissions (2):

CeGaT Center for Human Genetics Tuebingen
Classification: Likely benign. Last evaluated: 2025-11-01. Review status: criteria provided, single submitter. Criteria: CeGaT Center For Human Genetics Tuebingen Variant Classification Criteria Version 2. Collection method: clinical testing. Allele origin: germline. Affected: yes. Observed: 2 variant alleles.
Comment: CTCF: BP4

Ambry Genetics
Classification: Uncertain significance for Inborn genetic diseases. Last evaluated: 2022-10-25. Review status: criteria provided, single submitter. Criteria: Ambry Variant Classification Scheme 2023. Collection method: clinical testing. Allele origin: germline.

NM_006565.4(CTCF):c.2134C>T (p.Pro712Ser)

Gene: CTCF (CCCTC-binding factor; plus strand). Cytogenetic location: 16q22.1.
Variant type: single nucleotide variant.
Coding change: c.2134C>T on transcript NM_006565.4 (MANE Select); coding-DNA position 2134, C replaced by T.
Protein change: p.Pro712Ser; replaces proline 712 with serine.
Molecular consequence: missense variant.
Genome position (GRCh38, 1-based): chr16:67,637,822, C>T. VCF-style: chr16-67637822-C-T. GRCh37 (hg19) VCF-style: chr16-67671725-C-T.
Other names: c.1150C>T, p.Pro384Ser (NM_001191022.2); c.2128C>T, p.Pro710Ser (NM_001363916.2); short protein forms P712S, P384S, P710S.
Identifiers: ClinVar variation 1786455 (VCV001786455.26), dbSNP rs754444529, ClinGen allele CA8112860.